The following is an entry in ClinVar:

NM_004329.3(BMPR1A):c.677T>C (p.Val226Ala)

Gene: BMPR1A (bone morphogenetic protein receptor type 1A; plus strand). Cytogenetic location: 10q23.2.
Variant type: single nucleotide variant.
Coding change: c.677T>C on transcript NM_004329.3 (MANE Select); coding-DNA position 677, T replaced by C.
Protein change: p.Val226Ala; replaces valine 226 with alanine.
Molecular consequence: missense variant. On other transcripts: non-coding transcript variant (3), intron variant (1).
Genome position (GRCh38, 1-based): chr10:86,917,135, T>C. VCF-style: chr10-86917135-T-C. GRCh37 (hg19) VCF-style: chr10-88676892-T-C.
Other names: c.752T>C, p.Val251Ala (NM_001406559.1); c.725T>C, p.Val242Ala (NM_001406560.1); c.677T>C, p.Val226Ala (NM_001406561.1, NM_001406562.1, NM_001406563.1 and 19 more transcripts); c.593T>C, p.Val198Ala (NM_001406584.1, NM_001406585.1, NM_001406586.1 and 2 more transcripts); c.335T>C, p.Val112Ala (NM_001406589.1); c.676-5T>C (NM_001406583.1); short protein forms V242A, V112A, V226A, V198A, V251A.
Identifiers: ClinVar variation 3261214 (VCV003261214.1).

ClinVar aggregate classification (germline): Uncertain significance (1 of 4 stars; one submission).

Conditions:
Hereditary cancer-predisposing syndrome. Also called: Hereditary Cancer Syndrome; Tumor predisposition; Hereditary neoplastic syndrome; Neoplastic Syndromes, Hereditary. Identifiers: Orphanet 140162, MedGen C0027672, MeSH D009386, MONDO:0015356.

Submission:

Ambry Genetics
Classification: Uncertain significance for Hereditary cancer-predisposing syndrome. Last evaluated: 2024-04-15. Review status: criteria provided, single submitter. Criteria: Ambry Variant Classification Scheme 2023. Collection method: clinical testing. Allele origin: germline.
Comment: The p.V226A variant (also known as c.677T>C), located in coding exon 7 of the BMPR1A gene, results from a T to C substitution at nucleotide position 677. The valine at codon 226 is replaced by alanine, an amino acid with similar properties. This amino acid position is conserved. In addition, this alteration is predicted to be deleterious by in silico analysis. Based on the available evidence, the clinical significance of this variant remains unclear.